The following is an entry in ClinVar:

NM_000218.3(KCNQ1):c.935C>G (p.Thr312Ser)

Gene: KCNQ1 (potassium voltage-gated channel subfamily Q member 1; plus strand). Cytogenetic location: 11p15.5.
Variant type: single nucleotide variant.
Coding change: c.935C>G on transcript NM_000218.3 (MANE Select); coding-DNA position 935, C replaced by G.
Protein change: p.Thr312Ser; replaces threonine 312 with serine.
Molecular consequence: missense variant.
Genome position (GRCh38, 1-based): chr11:2,583,448, C>G. VCF-style: chr11-2583448-C-G. GRCh37 (hg19) VCF-style: chr11-2604678-C-G.
Other names: c.935C>G, p.Thr312Ser (NM_001406836.1); c.665C>G, p.Thr222Ser (NM_001406837.1); c.491C>G, p.Thr164Ser (NM_001406838.1); c.554C>G, p.Thr185Ser (NM_181798.2); short protein forms T164S, T185S, T222S, T312S.
Identifiers: ClinVar variation 3070021 (VCV003070021.1), dbSNP rs120074182, ClinGen allele CA379132970.

ClinVar aggregate classification (germline): Uncertain significance (1 of 4 stars; one submission).

Conditions:
Long QT syndrome (LQTS). Identifiers: MedGen C0023976, MeSH D008133, MONDO:0002442. Disease mechanism: loss of function. Inheritance: Various modes of inheritance.

Submission:

All of Us Research Program, National Institutes of Health
Classification: Uncertain significance for Long QT syndrome. Last evaluated: 2023-03-28. Review status: criteria provided, single submitter. Criteria: ACMG Guidelines, 2015. Collection method: clinical testing. Allele origin: germline. Inheritance: Autosomal dominant inheritance. Observed: 1 variant allele, 1 heterozygote.
Comment: This study involves interpretation of variants in research participants for the purpose of population health screening. Participant phenotype was not available at the time of variant classification. Additional details can be found in publication PMID: 35346344, PMCID: PMC8962531